The following is an entry in ClinVar:

ClinVar aggregate classification (germline): Uncertain significance (1 of 4 stars; one submission).

Conditions:
Alzheimer disease. Also called: Alzheimer's disease; Presenile and senile dementia. Identifiers: Orphanet 1020, MedGen C0002395, MeSH D000544, MONDO:0004975, HP:0002511.

Submission:

Labcorp Genetics (formerly Invitae), Labcorp
Classification: Uncertain significance for Alzheimer disease. Last evaluated: 2026-01-05. Review status: criteria provided, single submitter. Criteria: Invitae Variant Classification Sherloc (09022015). Collection method: clinical testing. Allele origin: germline.
Comment: This sequence change falls in intron 6 of the APP gene. It does not directly change the encoded amino acid sequence of the APP protein. It affects a nucleotide within the consensus splice site. This variant is not present in population databases (gnomAD no frequency). This variant has not been reported in the literature in individuals affected with APP-related conditions. ClinVar contains an entry for this variant (Variation ID: 1466111). Variants that disrupt the consensus splice site are a relatively common cause of aberrant splicing (PMID: 17576681, 9536098). Algorithms developed to predict the effect of sequence changes on RNA splicing suggest that this variant may disrupt the consensus splice site. In summary, the available evidence is currently insufficient to determine the role of this variant in disease. Therefore, it has been classified as a Variant of Uncertain Significance.

Literature cited by the submitters: PubMed 17576681; PubMed 9536098.

NM_000484.4(APP):c.865+3A>G

Gene: APP (amyloid beta precursor protein; minus strand). Cytogenetic location: 21q21.3.
Variant type: single nucleotide variant.
Coding change: c.865+3A>G on transcript NM_000484.4 (MANE Select); 3 bases into the intron after coding-DNA position 865, A replaced by G.
Molecular consequence: intron variant.
Genome position (GRCh38, 1-based): chr21:26,021,837, T>C on the plus strand (A>G on the coding strand, the complement: APP is on the minus strand). VCF-style: chr21-26021837-T-C. GRCh37 (hg19) VCF-style: chr21-27394153-T-C.
Other names: c.760+3A>G (NM_001136131.3); c.697+3A>G (NM_001136129.3, NM_001136130.3); c.865+3A>G (NM_001204303.2, NM_201414.3, NM_001385253.1 and 3 more transcripts); c.850+3A>G (NM_001136016.3).
Identifiers: ClinVar variation 1466111 (VCV001466111.6), dbSNP rs2146779425, ClinGen allele CA2573157342.